The following is an entry in ClinVar:

NM_001035.3(RYR2):c.1492G>A (p.Val498Met)

Gene: RYR2 (ryanodine receptor 2; plus strand). Cytogenetic location: 1q43.
Variant type: single nucleotide variant.
Coding change: c.1492G>A on transcript NM_001035.3 (MANE Select); coding-DNA position 1492, G replaced by A.
Protein change: p.Val498Met; replaces valine 498 with methionine.
Molecular consequence: missense variant.
Genome position (GRCh38, 1-based): chr1:237,456,615, G>A. VCF-style: chr1-237456615-G-A. GRCh37 (hg19) VCF-style: chr1-237619915-G-A.
Other names: short protein forms V498M.
Identifiers: ClinVar variation 1332046 (VCV001332046.13), dbSNP rs760100468, ClinGen allele CA085793.

ClinVar aggregate classification (germline): Uncertain significance. Review status: criteria provided, multiple submitters, no conflicts (2 of 4 stars). 2 submissions from 2 submitters: Uncertain significance (2). Last evaluated 2025-11-27.

Conditions:
Cardiomyopathy (CMYO). Also called: Cardiomyopathies. Identifiers: Orphanet 167848, MedGen C0878544, MONDO:0004994, HP:0001638. Inheritance: Various modes of inheritance.
Catecholaminergic polymorphic ventricular tachycardia 1. Also called: VENTRICULAR TACHYCARDIA, CATECHOLAMINERGIC POLYMORPHIC, 1, WITH OR WITHOUT ATRIAL DYSFUNCTION AND/OR DILATED CARDIOMYOPATHY; VENTRICULAR TACHYCARDIA, STRESS-INDUCED POLYMORPHIC 1; RYR2-Related Catecholaminergic Polymorphic Ventricular Tachycardia. Identifiers: Orphanet 3286, MedGen C1631597, MONDO:0011484, OMIM 604772.

Allele frequency attached by ClinVar (database versions not stated): gnomAD 0.00001; TOPMed 0.00001; gnomAD exomes 0.00002; ExAC 0.00003.
gnomAD v4.1: 12 of 1,545,578 alleles (0.00078%); highest among the groups gnomAD compares: East Asian, 0.0023%; no homozygotes.

Submissions (2):

Labcorp Genetics (formerly Invitae), Labcorp
Classification: Uncertain significance for Catecholaminergic polymorphic ventricular tachycardia 1. Last evaluated: 2025-11-27. Review status: criteria provided, single submitter. Criteria: Invitae Variant Classification Sherloc (09022015). Collection method: clinical testing. Allele origin: germline.
Comment: This sequence change replaces valine, which is neutral and non-polar, with methionine, which is neutral and non-polar, at codon 498 of the RYR2 protein (p.Val498Met). This variant is present in population databases (rs760100468, gnomAD 0.007%). This missense change has been observed in individual(s) with autosomal dominant RYR2-related conditions (internal data). ClinVar contains an entry for this variant (Variation ID: 1332046). Invitae Evidence Modeling of protein sequence and biophysical properties (such as structural, functional, and spatial information, amino acid conservation, physicochemical variation, residue mobility, and thermodynamic stability) indicates that this missense variant is expected to disrupt RYR2 protein function with a positive predictive value of 95%. In summary, the available evidence is currently insufficient to determine the role of this variant in disease. Therefore, it has been classified as a Variant of Uncertain Significance.

Color Diagnostics, LLC DBA Color Health
Classification: Uncertain significance for Cardiomyopathy. Last evaluated: 2024-03-06. Review status: criteria provided, single submitter. Criteria: ACMG Guidelines, 2015. Collection method: clinical testing. Allele origin: germline.
Comment: This missense variant replaces valine with methionine at codon 498 of the RYR2 protein. Computational prediction suggests that this variant may have deleterious impact on protein structure and function (internally defined REVEL score threshold >= 0.7, PMID: 27666373). To our knowledge, functional studies have not been reported for this variant. This variant has not been reported in individuals affected with cardiovascular disorders in the literature. This variant has been identified in 5/224430 chromosomes in the general population by the Genome Aggregation Database (gnomAD). The available evidence is insufficient to determine the role of this variant in disease conclusively. Therefore, this variant is classified as a Variant of Uncertain Significance.